The following is an entry in ClinVar:

ClinVar aggregate classification (germline): Uncertain significance (1 of 4 stars; one submission).

Allele frequency attached by ClinVar (database versions not stated): gnomAD exomes below 0.00001.
gnomAD v4.1: 1 of 1,613,796 alleles (0.000062%); highest among the groups gnomAD compares: Middle Eastern, 0.017%; no homozygotes.

Submission:

Women's Health and Genetics/Laboratory Corporation of America, LabCorp
Classification: Uncertain significance. Last evaluated: 2022-08-18. Review status: criteria provided, single submitter. Criteria: LabCorp Variant Classification Summary - May 2015. Collection method: clinical testing. Allele origin: germline.
Comment: Variant summary: UROC1 c.908C>A (p.Ala303Glu) results in a non-conservative amino acid change located in the Rossmann-like domain (IPR035085) of the encoded protein sequence. Four of five in-silico tools predict a damaging effect of the variant on protein function. The variant was absent in 251396 control chromosomes (gnomAD). The available data on variant occurrences in the general population are insufficient to allow any conclusion about variant significance. To our knowledge, no occurrence of c.908C>A in individuals affected with Urocanate Hydratase Deficiency and no experimental evidence demonstrating its impact on protein function have been reported. No clinical diagnostic laboratories have submitted clinical-significance assessments for this variant to ClinVar after 2014. Based on the evidence outlined above, the variant was classified as uncertain significance.

NM_144639.3(UROC1):c.908C>A (p.Ala303Glu)

Gene: UROC1 (urocanate hydratase 1; minus strand). Cytogenetic location: 3q21.3.
Variant type: single nucleotide variant.
Coding change: c.908C>A on transcript NM_144639.3 (MANE Select); coding-DNA position 908, C replaced by A.
Protein change: p.Ala303Glu; replaces alanine 303 with glutamic acid.
Molecular consequence: missense variant.
Genome position (GRCh38, 1-based): chr3:126,501,275, G>T on the plus strand (C>A on the coding strand, the complement: UROC1 is on the minus strand). VCF-style: chr3-126501275-G-T. GRCh37 (hg19) VCF-style: chr3-126220118-G-T.
Other names: c.1088C>A, p.Ala363Glu (NM_001165974.2); short protein forms A303E, A363E.
Identifiers: ClinVar variation 1705142 (VCV001705142.1), dbSNP rs1935915328, ClinGen allele CA354337020.